The following is an entry in ClinVar:

NM_018668.5(VPS33B):c.1030+1G>A

Gene: VPS33B (VPS33B late endosome and lysosome associated; minus strand). Cytogenetic location: 15q26.1.
Variant type: single nucleotide variant.
Coding change: c.1030+1G>A on transcript NM_018668.5 (MANE Select); the canonical splice donor site of the intron after coding-DNA position 1030, G replaced by A.
Molecular consequence: splice donor variant.
Genome position (GRCh38, 1-based): chr15:91,005,693, C>T on the plus strand (G>A on the coding strand, the complement: VPS33B is on the minus strand). VCF-style: chr15-91005693-C-T. GRCh37 (hg19) VCF-style: chr15-91548923-C-T.
Other names: c.949+1G>A (NM_001289148.1); c.757+1G>A (NM_001289149.1).
Identifiers: ClinVar variation 3578193 (VCV003578193.6).

ClinVar aggregate classification (germline): Likely pathogenic. Review status: criteria provided, multiple submitters, no conflicts (2 of 4 stars). 4 submissions from 4 submitters: Likely pathogenic (4). Last evaluated 2026-03-17.

Conditions:
Keratoderma-ichthyosis-deafness syndrome, autosomal recessive (KDIDAR). Identifiers: MedGen C5774200, MONDO:0859278, OMIM 620009.
Cholestasis, progressive familial intrahepatic, 12 (PFIC12). Also called: CHOLESTASIS, ISOLATED LOW-GGT. Identifiers: MedGen C5774311, MONDO:0031040, OMIM 620010.
Arthrogryposis, renal dysfunction, and cholestasis 1 (ARCS1). Identifiers: Orphanet 2697, MedGen C1859722, MONDO:0008822, OMIM 208085.

gnomAD v4.1: 9 of 1,614,004 alleles (0.00056%); highest among the groups gnomAD compares: East Asian, 0.0022%; no homozygotes.

Submissions (4):

Kasturba Medical College, Manipal, Kasturba Medical College, Manipal, Manipal Academy of Higher Education, Manipal, India
Classification: Likely pathogenic for Arthrogryposis, renal dysfunction, and cholestasis 1. Last evaluated: 2026-03-17. Review status: criteria provided, single submitter. Criteria: ACMG Guidelines, 2015. Collection method: research. Allele origin: unknown. Inheritance: Autosomal recessive inheritance. Affected: yes. Observed: 1 variant allele, 1 heterozygote.
Comment: Sanger validation showed the presence of the variant in heterozygous state in them. This variant is not reported in homozygous state in gnomAD (V4.1.0) population database and in our in-house data of 4037 exomes. This variant is reported in heterozygous state in nine individuals in gnomAD (V4.1.0) and absent in our in-house database. This variant is reported in ClinVar as likely pathogenic by two submitters (ClinVar accession ID: VCV003578193.3). This canonical splice-site variant is predicted to cause aberrant splicing which may either cause the transcript to undergo nonsense-mediated mRNA decay or lead to formation of the truncated protein product.

Labcorp Genetics (formerly Invitae), Labcorp
Classification: Likely pathogenic. Last evaluated: 2024-09-11. Review status: criteria provided, single submitter. Criteria: Invitae Variant Classification Sherloc (09022015). Collection method: clinical testing. Allele origin: germline.
Comment: This sequence change affects a donor splice site in intron 13 of the VPS33B gene. It is expected to disrupt RNA splicing. Variants that disrupt the donor or acceptor splice site typically lead to a loss of protein function (PMID: 16199547), and loss-of-function variants in VPS33B are known to be pathogenic (PMID: 15052268, 16896922). This variant is present in population databases (rs774653538, gnomAD 0.003%). This variant has not been reported in the literature in individuals affected with VPS33B-related conditions. Algorithms developed to predict the effect of sequence changes on RNA splicing suggest that this variant may disrupt the consensus splice site. In summary, the currently available evidence indicates that the variant is pathogenic, but additional data are needed to prove that conclusively. Therefore, this variant has been classified as Likely Pathogenic.

Fulgent Genetics
Classification: Likely pathogenic for Arthrogryposis, renal dysfunction, and cholestasis 1; Keratoderma-ichthyosis-deafness syndrome, autosomal recessive; Cholestasis, progressive familial intrahepatic, 12. Last evaluated: 2024-04-12. Review status: criteria provided, single submitter. Criteria: ACMG Guidelines, 2015. Collection method: clinical testing. Allele origin: germline.

Juno Genomics, Hangzhou Juno Genomics, Inc
Classification: Likely pathogenic for Arthrogryposis, renal dysfunction, and cholestasis 1; Cholestasis, progressive familial intrahepatic, 12; Keratoderma-ichthyosis-deafness syndrome, autosomal recessive. Review status: criteria provided, single submitter. Criteria: ACMG Guidelines, 2015. Collection method: clinical testing. Allele origin: germline.
Comment: Null variant in a gene where loss of function (LOF) is a known mechanism of disease.;Absent from controls (or at extremely low frequency if recessive) in Genome Aggregation Database.

Literature cited by the submitters: PubMed 16199547 (cited by Labcorp Genetics (formerly Invitae), Labcorp); PubMed 15052268 (cited by Labcorp Genetics (formerly Invitae), Labcorp); PubMed 16896922 (cited by Labcorp Genetics (formerly Invitae), Labcorp).